The following is an entry in ClinVar:

NM_001079668.3(NKX2-1):c.463+3_463+6del

Genes: NKX2-1 (NK2 homeobox 1; minus strand), SFTA3 (surfactant associated 3; minus strand). Cytogenetic location: 14q13.3.
Variant type: Deletion.
Coding change: c.463+3_463+6del on transcript NM_001079668.3 (MANE Select); bases 3 to 6 of the intron after coding-DNA position 463, 4 bases deleted (AAGT; older notation c.463+3_463+6delAAGT).
Molecular consequence: splice donor variant.
Genome position (GRCh38, 1-based): chr14:36,518,979-36,518,982, ACTT deleted on the plus strand (AAGT on the coding strand, the reverse complement: NKX2-1 is on the minus strand); deleting any 4 consecutive bases within chr14:36,518,979-36,518,985 gives the same sequence; the c. name uses the placement nearest the transcript's 3' end. VCF-style (leftmost placement, unchanged base first): chr14-36518978-CACTT-C. GRCh37 (hg19) VCF-style: chr14-36988183-CACTT-C.
Other names: c.373+3_373+6del (NM_003317.4).
Identifiers: ClinVar variation 928656 (VCV000928656.3), dbSNP rs1881201190, ClinGen allele CA1139663453.

ClinVar aggregate classification (germline): Uncertain significance. Review status: criteria provided, multiple submitters, no conflicts (2 of 4 stars). 3 submissions from 3 submitters: Uncertain significance (3). Last evaluated 2026-04-23.

Conditions:
NKX2-1 related choreoathetosis and congenital hypothyroidism with or without pulmonary dysfunction. Identifiers: MedGen CN372319, MONDO:0100520.

Submissions (3):

Victorian Clinical Genetics Services, Murdoch Childrens Research Institute
Classification: Uncertain significance for NKX2-1 related choreoathetosis and congenital hypothyroidism with or without pulmonary dysfunction. Last evaluated: 2026-04-23. Review status: criteria provided, single submitter. Criteria: ACMG Guidelines, 2015. Collection method: clinical testing. Allele origin: germline. Affected: yes.
Comment: This variant is classified as VUS-3A. Evidence in support of pathogenic classification: Non-canonical splice site variant without proven consequence on splicing (no functional evidence available); Variant is absent from gnomAD (v2, v3 and v4); Abnormal splicing is predicted by in silico tool and affected nucleotides are highly conserved. Additional information: This variant is heterozygous; This gene is associated with autosomal dominant disease; Previous reports of pathogenicity for this variant are conflicting. This variant has been classified as a VUS by clinical laboratories in ClinVar and reported in the literature in three individuals from a single family with benign hereditary chorea (PMID: 22832740) ; No published functional evidence has been identified for this variant; Loss of function is a known mechanism of disease in this gene and is associated with NKX2-1 related choreoathetosis and congenital hypothyroidism with or without pulmonary dysfunction (MONDO:0100520; PMID: 37492711, PMID: 24555207). Dominant negative is also a suggested mechanism of disease for some variants (PMID: 29882472, PMID: 23379327); Variants in this gene are known to have variable expressivity. Considerable phenotypic variability in organ involvement and expressivity has been reported (PMID: 24714694) - Inheritance information for this variant is not currently available in this individual.

GeneDx
Classification: Uncertain significance. Last evaluated: 2024-10-29. Review status: criteria provided, single submitter. Criteria: GeneDx Variant Classification Process June 2021. Collection method: clinical testing. Allele origin: germline. Affected: yes.
Comment: Identified in three individuals with benign hereditary chorea from a single family in published literature (PMID: 22832740); Not observed at significant frequency in large population cohorts (gnomAD); In silico analysis supports a deleterious effect on splicing; This variant is associated with the following publications: (PMID: 22832740)

Women's Health and Genetics/Laboratory Corporation of America, LabCorp
Classification: Uncertain significance. Last evaluated: 2019-07-25. Review status: criteria provided, single submitter. Criteria: LabCorp Variant Classification Summary - May 2015. Collection method: clinical testing. Allele origin: germline.
Comment: Variant summary: NKX2-1 c.463+3_463+6delAAGT alters conserved nucleotides located close to a canonical splice site and therefore could affect mRNA splicing, leading to a significantly altered protein sequence. Several computational tools predict a significant impact on normal splicing: Two predict the variant abolishes a 5 prime splicing donor site. Three predict the variant weakens a 5 prime donor site. However, these predictions have yet to be confirmed by functional studies. The variant was absent in 186766 control chromosomes (gnomAD). c.463+3_463+6delAAGT has been reported in the literature in at least one individual affected with Benign hereditary chorea (Gras_2012). These data indicate that the variant may be associated with disease. To our knowledge, no experimental evidence demonstrating an impact on protein function has been reported. No submitters have provided clinical-significance assessments for this variant to ClinVar after 2014. Based on the evidence outlined above, the variant was classified as VUS-possibly pathogenic.

Literature cited by the submitters: PubMed 29882472 (cited by Victorian Clinical Genetics Services, Murdoch Childrens Research Institute); PubMed 24555207 (cited by Victorian Clinical Genetics Services, Murdoch Childrens Research Institute); PubMed 37492711 (cited by Victorian Clinical Genetics Services, Murdoch Childrens Research Institute); PubMed 24714694 (cited by Victorian Clinical Genetics Services, Murdoch Childrens Research Institute); PubMed 22832740 (cited by Victorian Clinical Genetics Services, Murdoch Childrens Research Institute and Women's Health and Genetics/Laboratory Corporation of America, LabCorp); PubMed 23379327 (cited by Victorian Clinical Genetics Services, Murdoch Childrens Research Institute); PubMed 26196025 (cited by Women's Health and Genetics/Laboratory Corporation of America, LabCorp); PubMed 24930029 (cited by Women's Health and Genetics/Laboratory Corporation of America, LabCorp).